The following is an entry in ClinVar:

ClinVar aggregate classification (germline): Pathogenic (1 of 4 stars; one submission).

Submission:

GeneDx
Classification: Pathogenic. Last evaluated: 2019-07-05. Review status: criteria provided, single submitter. Criteria: GeneDx Variant Classification (06012015). Collection method: clinical testing. Allele origin: germline. Affected: yes.
Comment: The c.619dupA variant has not been published as a pathogenic variant, nor has it been reported as a benign variant to our knowledge. The variant is not observed in large population cohorts (Lek et al., 2016). It causes a frameshift starting with codon Isoleucine 207, changes this amino acid to an Asparagine residue and creates a premature Stop codon at position 2 of the new reading frame, denoted p.Ile207AsnfsX2. This variant is predicted to cause loss of normal protein function either through protein truncation or nonsense-mediated mRNA decay. We consider this variant to be pathogenic.

NM_181458.4(PAX3):c.619dup (p.Ile207fs)

Gene: PAX3 (paired box 3; minus strand). Cytogenetic location: 2q36.1.
Variant type: Duplication.
Coding change: c.619dup on transcript NM_181458.4 (MANE Select); coding-DNA position 619, one base duplicated (A; older notation c.619dupA).
Protein change: p.Ile207fs; shifts the reading frame from isoleucine 207.
Molecular consequence: frameshift variant.
Genome position (GRCh38, 1-based): chr2:222,232,251, T duplicated on the plus strand (A on the coding strand, the reverse complement: PAX3 is on the minus strand). VCF-style (leftmost placement, unchanged base first): chr2-222232250-A-AT. GRCh37 (hg19) VCF-style: chr2-223096969-A-AT.
Other names: c.616dup, p.Ile206fs (NM_001127366.3); c.619dup, p.Ile207fs (NM_181457.4, NM_181459.4, NM_181460.4 and 1 more transcripts); short protein forms I207fs, I206fs.
Identifiers: ClinVar variation 817322 (VCV000817322.1), dbSNP rs1574662128, ClinGen allele CA915941738.